The following is an entry in ClinVar:

ClinVar aggregate classification (germline): Likely pathogenic (1 of 4 stars; one submission).

Conditions:
Cardiovascular phenotype. Identifiers: MedGen CN230736.
Hereditary cancer-predisposing syndrome. Also called: Neoplastic Syndromes, Hereditary; Tumor predisposition; Hereditary Cancer Syndrome; Hereditary neoplastic syndrome. Identifiers: Orphanet 140162, MedGen C0027672, MeSH D009386, MONDO:0015356.

Submission:

Ambry Genetics
Classification: Likely pathogenic for Cardiovascular phenotype; Hereditary cancer-predisposing syndrome. Last evaluated: 2026-04-14. Review status: criteria provided, single submitter. Criteria: Ambry Variant Classification Scheme 2023. Collection method: clinical testing. Allele origin: germline.
Comment: The c.2251+2delT intronic variant, located in intron 18 of the NF1 gene, results from a deletion of one nucleotide within intron 18 of the NF1 gene. This variant is considered to be rare based on population cohorts in the Genome Aggregation Database (gnomAD). This nucleotide position is highly conserved in available vertebrate species. In silico splice site analysis predicts that this alteration will weaken the native splice donor site. Variants that disrupt the canonical splice site are expected to cause aberrant splicing, resulting in an abnormal protein or a transcript that is subject to nonsense-mediated mRNA decay. As such, this variant is classified as likely pathogenic.

NM_001042492.3(NF1):c.2251+2del

Gene: NF1 (neurofibromin 1; plus strand). Cytogenetic location: 17q11.2.
Variant type: Deletion.
Coding change: c.2251+2del on transcript NM_001042492.3 (MANE Select); the canonical splice donor site of the intron after coding-DNA position 2251, one base deleted (T; older notation c.2251+2delT).
Molecular consequence: splice donor variant.
Genome position (GRCh38, 1-based): chr17:31,226,686, T deleted. VCF-style (leftmost placement, unchanged base first): chr17-31226685-GT-G. GRCh37 (hg19) VCF-style: chr17-29553703-GT-G.
Other names: c.2251+2del (NM_000267.4).
Identifiers: ClinVar variation 4860913 (VCV004860913.1).